The following is an entry in ClinVar:

ClinVar aggregate classification (germline): Benign. Review status: criteria provided, multiple submitters, no conflicts (2 of 4 stars). 2 submissions from 2 submitters: Benign (2). Last evaluated 2023-11-12.

Allele frequency attached by ClinVar (database versions not stated): 1000 Genomes Project 30x 0.57074; 1000 Genomes Project 0.56929; TOPMed 0.52843.
gnomAD v4.1: 78,133 of 151,900 alleles (51%); highest among the groups gnomAD compares: African/African-American, 76%; 21,966 homozygotes.

Submissions (2):

Unidad de Genómica Garrahan, Hospital de Pediatría Garrahan
Classification: Benign. Last evaluated: 2023-11-12. Review status: criteria provided, single submitter. Criteria: ACMG Guidelines, 2015. Collection method: clinical testing. Allele origin: germline. Affected: no. Observed: 53 variant alleles.
Comment: This variant is classified as Benign based on local population frequency. This variant was detected in 55% of patients studied by a panel of primary immunodeficiencies. Number of patients: 53. Only high quality variants are reported.

GeneDx
Classification: Benign. Last evaluated: 2021-05-14. Review status: criteria provided, single submitter. Criteria: GeneDx Variant Classification Process June 2021. Collection method: clinical testing. Allele origin: germline. Affected: yes.

NM_002661.5(PLCG2):c.3198+169G>A

Gene: PLCG2 (phospholipase C gamma 2; plus strand). Cytogenetic location: 16q23.3.
Variant type: single nucleotide variant.
Coding change: c.3198+169G>A on transcript NM_002661.5 (MANE Select); 169 bases into the intron after coding-DNA position 3198, G replaced by A.
Molecular consequence: intron variant.
Genome position (GRCh38, 1-based): chr16:81,938,072, G>A. VCF-style: chr16-81938072-G-A. GRCh37 (hg19) VCF-style: chr16-81971677-G-A.
Identifiers: ClinVar variation 1288262 (VCV001288262.3), dbSNP rs4369659, ClinGen allele CA14270816.
Genomic context (GRCh38, chr16:81,938,072, plus strand): 5'-TGTTTAAACGATCCCCATTCAGGCAGTGTTTGAGGATCTTTCTTTCTTACAGTACACTCC[G>A]GGGTCGTTCTGGGAGAAGAGGGAAGAGAGGGGAAACCTCCTCAAACCCACTTCCCCTTGT-3'